The following is an entry in ClinVar:

ClinVar aggregate classification (germline): Uncertain significance. Review status: criteria provided, multiple submitters, no conflicts (2 of 4 stars). 2 submissions from 2 submitters: Uncertain significance (2). Last evaluated 2024-06-02.

Conditions:
Intellectual developmental disorder with dysmorphic facies and behavioral abnormalities. Identifiers: MedGen C4748135, MONDO:0060760, OMIM 618089.

Allele frequency attached by ClinVar (database versions not stated): gnomAD exomes 0.00001.
gnomAD v4.1: 15 of 1,235,950 alleles (0.0012%); highest among the groups gnomAD compares: Admixed American, 0.0042%; no homozygotes.

Submissions (2):

Labcorp Genetics (formerly Invitae), Labcorp
Classification: Uncertain significance. Last evaluated: 2024-06-02. Review status: criteria provided, single submitter. Criteria: Invitae Variant Classification Sherloc (09022015). Collection method: clinical testing. Allele origin: germline.
Comment: This sequence change replaces proline, which is neutral and non-polar, with leucine, which is neutral and non-polar, at codon 63 of the FBXO11 protein (p.Pro63Leu). This variant is not present in population databases (gnomAD no frequency). This variant has not been reported in the literature in individuals affected with FBXO11-related conditions. Experimental studies and prediction algorithms are not available or were not evaluated, and the functional significance of this variant is currently unknown. In summary, the available evidence is currently insufficient to determine the role of this variant in disease. Therefore, it has been classified as a Variant of Uncertain Significance.

Institute of Human Genetics, University Hospital of Duesseldorf
Classification: Uncertain significance for Intellectual developmental disorder with dysmorphic facies and behavioral abnormalities. Review status: criteria provided, single submitter. Criteria: ACMG Guidelines, 2015. Collection method: not provided. Allele origin: germline. Inheritance: Autosomal dominant inheritance. Affected: yes.

NM_001190274.2(FBXO11):c.188C>T (p.Pro63Leu)

Gene: FBXO11 (F-box protein 11; minus strand). Cytogenetic location: 2p16.3.
Variant type: single nucleotide variant.
Coding change: c.188C>T on transcript NM_001190274.2 (MANE Select); coding-DNA position 188, C replaced by T.
Protein change: p.Pro63Leu; replaces proline 63 with leucine.
Molecular consequence: missense variant.
Genome position (GRCh38, 1-based): chr2:47,905,533, G>A on the plus strand (C>T on the coding strand, the complement: FBXO11 is on the minus strand). VCF-style: chr2-47905533-G-A. GRCh37 (hg19) VCF-style: chr2-48132672-G-A.
Other names: short protein forms P63L.
Identifiers: ClinVar variation 3233334 (VCV003233334.3), dbSNP rs1678724012, ClinGen allele CA346812550.